The following is an entry in ClinVar:

ClinVar aggregate classification (germline): Uncertain significance (1 of 4 stars; one submission).

Allele frequency attached by ClinVar (database versions not stated): gnomAD 0.00004 and 0.00005; TOPMed 0.00004; gnomAD exomes 0.00012 and 0.00014; 1000 Genomes Project 30x 0.00016; 1000 Genomes Project 0.00020; ExAC 0.00020.
gnomAD v4.1: 181 of 1,560,176 alleles (0.012%); highest among the groups gnomAD compares: South Asian, 0.14%; 1 homozygote.

Submission:

Labcorp Genetics (formerly Invitae), Labcorp
Classification: Uncertain significance. Last evaluated: 2026-02-01. Review status: criteria provided, single submitter. Criteria: Invitae Variant Classification Sherloc (09022015). Collection method: clinical testing. Allele origin: germline.
Comment: This sequence change replaces lysine, which is basic and polar, with threonine, which is neutral and polar, at codon 180 of the POC5 protein (p.Lys180Thr). This variant is present in population databases (rs542180628, gnomAD 0.1%), and has an allele count higher than expected for a pathogenic variant. This variant has not been reported in the literature in individuals affected with POC5-related conditions. ClinVar contains an entry for this variant (Variation ID: 1370767). An algorithm developed to predict the effect of missense changes on protein structure and function (PolyPhen-2) suggests that this variant is likely to be tolerated. In summary, the available evidence is currently insufficient to determine the role of this variant in disease. Therefore, it has been classified as a Variant of Uncertain Significance.

NM_001099271.2(POC5):c.539A>C (p.Lys180Thr)

Gene: POC5 (POC5 centriolar protein; minus strand). Cytogenetic location: 5q13.3.
Variant type: single nucleotide variant.
Coding change: c.539A>C on transcript NM_001099271.2 (MANE Select); coding-DNA position 539, A replaced by C.
Protein change: p.Lys180Thr; replaces lysine 180 with threonine.
Molecular consequence: missense variant.
Genome position (GRCh38, 1-based): chr5:75,694,806, T>G on the plus strand (A>C on the coding strand, the complement: POC5 is on the minus strand). VCF-style: chr5-75694806-T-G. GRCh37 (hg19) VCF-style: chr5-74990631-T-G.
Other names: c.464A>C, p.Lys155Thr (NM_152408.3); short protein forms K180T, K155T.
Identifiers: ClinVar variation 1370767 (VCV001370767.6), dbSNP rs542180628, ClinGen allele CA3310548.